The following is an entry in ClinVar:

ClinVar aggregate classification (germline): Uncertain significance (1 of 4 stars; one submission).

Conditions:
Myofibrillar myopathy 4. Also called: Zaspopathy (type). Identifiers: Orphanet 98912, MedGen C4721886, MONDO:0012277, OMIM 609452.

Submission:

Labcorp Genetics (formerly Invitae), Labcorp
Classification: Uncertain significance for Myofibrillar myopathy 4. Last evaluated: 2025-10-12. Review status: criteria provided, single submitter. Criteria: Invitae Variant Classification Sherloc (09022015). Collection method: clinical testing. Allele origin: germline.
Comment: The LDB3 gene has multiple clinically relevant transcripts. This variant occurs in alternate transcript NM_007078.3, and corresponds to NM_001080116.1:c.*19426G>T in the primary transcript. This sequence change replaces glycine, which is neutral and non-polar, with valine, which is neutral and non-polar, at codon 644 of the LDB3 protein (p.Gly644Val). This variant is not present in population databases (gnomAD no frequency). This variant has not been reported in the literature in individuals affected with LDB3-related conditions. In summary, the available evidence is currently insufficient to determine the role of this variant in disease. Therefore, it has been classified as a Variant of Uncertain Significance.

NM_007078.3(LDB3):c.1931G>T (p.Gly644Val)

Gene: LDB3 (LIM domain binding 3; plus strand). Cytogenetic location: 10q23.2.
Variant type: single nucleotide variant.
Coding change: c.1931G>T on transcript NM_007078.3 (MANE Select); coding-DNA position 1931, G replaced by T.
Protein change: p.Gly644Val; replaces glycine 644 with valine.
Molecular consequence: missense variant.
Genome position (GRCh38, 1-based): chr10:86,718,800, G>T. VCF-style: chr10-86718800-G-T. GRCh37 (hg19) VCF-style: chr10-88478557-G-T.
Other names: c.1601G>T, p.Gly534Val (NM_001080114.2); c.1946G>T, p.Gly649Val (NM_001171610.2); c.1742G>T, p.Gly581Val (NM_001368064.1, NM_001368065.1); c.1790G>T, p.Gly597Val (NM_001368066.1); short protein forms G644V, G649V, G581V, G534V, G597V.
Identifiers: ClinVar variation 4743328 (VCV004743328.1).